The following is an entry in ClinVar:

ClinVar aggregate classification (germline): Uncertain significance (1 of 4 stars; one submission).

Conditions:
ERBB4-related disorder. Also called: ERBB4-related condition.

Allele frequency attached by ClinVar (database versions not stated): gnomAD exomes 0.00001; TOPMed 0.00001.

Submission:

PreventionGenetics, part of Exact Sciences
Classification: Uncertain significance for ERBB4-related condition. Last evaluated: 2023-09-12. Review status: criteria provided, single submitter. Criteria: ACMG Guidelines, 2015. Collection method: clinical testing. Allele origin: germline.
Comment: The ERBB4 c.938T>C variant is predicted to result in the amino acid substitution p.Met313Thr. To our knowledge, this variant has not been reported in the literature. This variant is reported in 0.0029% of alleles in individuals of Latino descent in gnomAD. At this time, the clinical significance of this variant is uncertain due to the absence of conclusive functional and genetic evidence.

NM_005235.3(ERBB4):c.938T>C (p.Met313Thr)

Gene: ERBB4 (erb-b2 receptor tyrosine kinase 4; minus strand). Cytogenetic location: 2q34.
Variant type: single nucleotide variant.
Coding change: c.938T>C on transcript NM_005235.3 (MANE Select); coding-DNA position 938, T replaced by C.
Protein change: p.Met313Thr; replaces methionine 313 with threonine.
Molecular consequence: missense variant.
Genome position (GRCh38, 1-based): chr2:211,713,594, A>G on the plus strand (T>C on the coding strand, the complement: ERBB4 is on the minus strand). VCF-style: chr2-211713594-A-G. GRCh37 (hg19) VCF-style: chr2-212578319-A-G.
Other names: c.938T>C, p.Met313Thr (NM_001042599.2); short protein forms M313T.
Identifiers: ClinVar variation 2629538 (VCV002629538.1), dbSNP rs1295442878, ClinGen allele CA350443751.